The following is an entry in ClinVar:

NM_016648.4(LARP7):c.1669-1_1671del

Gene: LARP7 (La ribonucleoprotein 7, transcriptional regulator; plus strand). Cytogenetic location: 4q25.
Variant type: Deletion.
Coding change: c.1669-1_1671del on transcript NM_016648.4 (MANE Select); the canonical splice acceptor site of the intron before coding-DNA position 1669 through coding-DNA position 1671, 4 bases deleted (GTTA; older notation c.1669-1_1671delGTTA).
Molecular consequence: splice acceptor variant.
Genome position (GRCh38, 1-based): chr4:112,657,246-112,657,249, GTTA deleted; deleting any 4 consecutive bases within chr4:112,657,243-112,657,249 gives the same sequence; the c. name uses the placement nearest the transcript's 3' end. VCF-style (leftmost placement, unchanged base first): chr4-112657242-TTTAG-T. GRCh37 (hg19) VCF-style: chr4-113578398-TTTAG-T.
Other names: c.1669-1_1671del (NM_001267039.4, NM_001370978.1, NM_015454.3); c.1708-1_1710del (NM_001370974.1, NM_001370975.1); c.1705-1_1707del (NM_001370976.1, NM_001370977.1); c.1666-1_1668del (NM_001370979.1, NM_001370980.1); c.1432-1_1434del (NM_001370982.1, NM_001370981.1).
Identifiers: ClinVar variation 560385 (VCV000560385.8), dbSNP rs778909076, ClinGen allele CA3049796.
Genomic context (GRCh38, chr4:112,657,242, plus strand): 5'-GTGTGTGTGTGTGTGTGTGTTTTGAGTATCCAATACATTTTAATTTTTGATTTATTTCTC[TTTAG>T]TTAATCACCAAAGCTGAAAAGATTAGACTGGCAAAGACTCAACAAGCGAGTAAACATATA-3'

ClinVar aggregate classification (germline): Pathogenic. Review status: criteria provided, multiple submitters, no conflicts (2 of 4 stars). 5 submissions from 5 submitters: Pathogenic (4). 1 of the submissions does not count toward it. Last evaluated 2026-05-14.

Conditions:
Microcephalic primordial dwarfism, Alazami type. Also called: FACIAL DYSMORPHISM, INTELLECTUAL DISABILITY, AND PRIMORDIAL DWARFISM; Alazami syndrome. Identifiers: Orphanet 319671, MedGen C3554439, MONDO:0014031, OMIM 615071.
Epileptic encephalopathy. Identifiers: MedGen C0543888, HP:0200134.
Intellectual disability. Also called: Intellectual functioning disability; intellectual disabilities; Intellectual developmental disorder. Identifiers: MedGen C3714756, MeSH D008607, MONDO:0001071, HP:0001249.

Submissions (5):

Precision Medical Center, Wuhan Children's Hospital
Classification: Pathogenic for Microcephalic primordial dwarfism, Alazami type. Last evaluated: 2026-05-14. Review status: criteria provided, single submitter. Criteria: ACMG Guidelines, 2015. Collection method: clinical testing. Allele origin: germline. Inheritance: Autosomal recessive inheritance. Affected: yes. Observed: 1 variant allele, 1 compound heterozygote.
Comment: NM_016648.4: c.1669-1_1671del, is a frameshift mutation in LARP7 gene . which likely results in an absent or disrupted protein product (PVS1); The variation does not exist or is very rare in the population database(PM2); In recessive genetic diseases(AR), pathogenic variations are detected at the trans allele; In summary, this variant meets criteria to be classified as pathogenic

Victorian Clinical Genetics Services, Murdoch Childrens Research Institute
Classification: Pathogenic for Microcephalic primordial dwarfism, Alazami type. Last evaluated: 2025-09-01. Review status: criteria provided, single submitter. Criteria: ACMG Guidelines, 2015. Collection method: clinical testing. Allele origin: germline. Affected: yes.
Comment: This variant is classified as Pathogenic. Evidence in support of pathogenic classification: Splice site variant proven to affect splicing of the transcript with a known effect on protein sequence. Analysis of patient mRNA and protein has proven this variant results in the use of a cryptic acceptor site. The outcome (p.(Ile558Lysfs*15)) causes a truncated protein that escapes nonsense-mediated decay (PMID: 32017898), with less than 1/3 of the protein sequence affected; Variant is present in gnomAD <0.01 for recessive condition (v4: 9 heterozygote(s), 0 homozygote(s)); This variant has strong previous evidence of pathogenicity in unrelated individuals. This variant has been classified twice as pathogenic by a clinical laboratories in ClinVar. It has been reported in at least three affected homozygous and heterozygous individuals where a second variant was identified (PMID: 32017898, 33356342, 35270292); This variant has moderate functional evidence supporting abnormal protein function, where 7SK stabilisation and SNORD8 binding was significantly reduced (PMID: 32017898). Additional information: This variant is heterozygous; This gene is associated with autosomal recessive disease; Loss of function is a known mechanism of disease in this gene and is associated with Alazami syndrome (MIM#615071); Inheritance information for this variant is not currently available in this individual.

Labcorp Genetics (formerly Invitae), Labcorp
Classification: Pathogenic. Last evaluated: 2024-04-04. Review status: criteria provided, single submitter. Criteria: Invitae Variant Classification Sherloc (09022015). Collection method: clinical testing. Allele origin: germline.
Comment: This variant results in the deletion of part of exon 13 (c.1669-1_1671del) of the LARP7 gene. RNA analysis indicates that this variant induces altered splicing and likely disrupts the C-terminus of the protein. This variant is present in population databases (rs778909076, gnomAD 0.009%). This variant has been observed in individuals with Alazami syndrome (PMID: 32017898, 33356342, 35270292). It has also been observed to segregate with disease in related individuals. This variant is also known as c.1690-1_1692del. ClinVar contains an entry for this variant (Variation ID: 560385). Algorithms developed to predict the effect of variants on protein structure and function are not available or were not evaluated for this variant. Experimental studies have shown that this variant affects LARP7 function (PMID: 32017898). Variants that disrupt the consensus splice site are a relatively common cause of aberrant splicing (PMID: 17576681, 9536098). Studies have shown that this variant results in activation of a cryptic splice site and introduces a new termination codon (PMID: 32017898). However the mRNA is not expected to undergo nonsense-mediated decay. For these reasons, this variant has been classified as Pathogenic.

Equipe Genetique des Anomalies du Developpement, Université de Bourgogne
Classification: Pathogenic for Epileptic encephalopathy. Review status: criteria provided, single submitter. Criteria: ACMG Guidelines, 2015. Collection method: clinical testing. Allele origin: paternal. Affected: yes.

Institute of Human Genetics, University of Wuerzburg
Classification: Likely pathogenic for Intellectual disability. Review status: no assertion criteria provided. Collection method: clinical testing. Allele origin: unknown. Not counted in ClinVar's aggregate classification.

Literature cited by the submitters: PubMed 40548259 (cited by Precision Medical Center, Wuhan Children's Hospital); PubMed 35270292 (cited by Victorian Clinical Genetics Services, Murdoch Childrens Research Institute and Labcorp Genetics (formerly Invitae), Labcorp); PubMed 32017898 (cited by Victorian Clinical Genetics Services, Murdoch Childrens Research Institute and Labcorp Genetics (formerly Invitae), Labcorp); PubMed 33356342 (cited by Victorian Clinical Genetics Services, Murdoch Childrens Research Institute and Labcorp Genetics (formerly Invitae), Labcorp); PubMed 17576681 (cited by Labcorp Genetics (formerly Invitae), Labcorp); PubMed 9536098 (cited by Labcorp Genetics (formerly Invitae), Labcorp).